The following is an entry in ClinVar:

NM_182914.3(SYNE2):c.16760+6A>G

Gene: SYNE2 (spectrin repeat containing nuclear envelope protein 2; plus strand). Cytogenetic location: 14q23.2.
Variant type: single nucleotide variant.
Coding change: c.16760+6A>G on transcript NM_182914.3 (MANE Select); 6 bases into the intron after coding-DNA position 16760, A replaced by G.
Molecular consequence: intron variant.
Genome position (GRCh38, 1-based): chr14:64,167,393, A>G. VCF-style: chr14-64167393-A-G. GRCh37 (hg19) VCF-style: chr14-64634111-A-G.
Other names: c.16760+6A>G (NM_015180.6).
Identifiers: ClinVar variation 883041 (VCV000883041.7), dbSNP rs756707482, ClinGen allele CA7223480.

ClinVar aggregate classification (germline): Conflicting classifications of pathogenicity. Review status: criteria provided, conflicting classifications (1 of 4 stars). 2 submissions from 2 submitters: Uncertain significance (1); Likely benign (1). Last evaluated 2023-08-11.

Conditions:
Emery-Dreifuss muscular dystrophy 5, autosomal dominant (EDMD5). Also called: EMERY-DREIFUSS MUSCULAR DYSTROPHY 5. Identifiers: Orphanet 261, MedGen C2751805, MONDO:0013072, OMIM 612999.

Allele frequency attached by ClinVar (database versions not stated): TOPMed below 0.00001; gnomAD exomes 0.00001 and 0.00002; ExAC 0.00002; gnomAD 0.00002.
gnomAD v4.1: 13 of 1,614,104 alleles (0.00081%); highest among the groups gnomAD compares: Non-Finnish European, 0.0011%; no homozygotes.

Submissions (2):

Labcorp Genetics (formerly Invitae), Labcorp
Classification: Uncertain significance for Emery-Dreifuss muscular dystrophy 5, autosomal dominant. Last evaluated: 2023-08-11. Review status: criteria provided, single submitter. Criteria: Invitae Variant Classification Sherloc (09022015). Collection method: clinical testing. Allele origin: germline.
Comment: This variant has not been reported in the literature in individuals affected with SYNE2-related conditions. This variant is present in population databases (rs756707482, gnomAD 0.006%). This sequence change falls in intron 91 of the SYNE2 gene. It does not directly change the encoded amino acid sequence of the SYNE2 protein. It affects a nucleotide within the consensus splice site. In summary, the available evidence is currently insufficient to determine the role of this variant in disease. Therefore, it has been classified as a Variant of Uncertain Significance. Variants that disrupt the consensus splice site are a relatively common cause of aberrant splicing (PMID: 17576681, 9536098). Algorithms developed to predict the effect of sequence changes on RNA splicing suggest that this variant is not likely to affect RNA splicing. ClinVar contains an entry for this variant (Variation ID: 883041).

Illumina Laboratory Services, Illumina
Classification: Likely benign for Emery-Dreifuss muscular dystrophy 5, autosomal dominant. Last evaluated: 2018-01-13. Review status: criteria provided, single submitter. Criteria: ICSL Variant Classification Criteria 13 December 2019. Collection method: clinical testing. Allele origin: germline.
Comment: This variant was observed in the ICSL laboratory as part of a predisposition screen in an ostensibly healthy population. It had not been previously curated by ICSL or reported in the Human Gene Mutation Database (HGMD: prior to June 1st, 2018), and was therefore a candidate for classification through an automated scoring system. Utilizing variant allele frequency, disease prevalence and penetrance estimates, and inheritance mode, an automated score was calculated to assess if this variant is too frequent to cause the disease. Based on the score and internal cut-off values, a variant classified as likely benign is not then subjected to further curation. The score for this variant resulted in a classification of likely benign for this disease.

Literature cited by the submitters: PubMed 17576681 (cited by Labcorp Genetics (formerly Invitae), Labcorp); PubMed 9536098 (cited by Labcorp Genetics (formerly Invitae), Labcorp).